The following is an entry in ClinVar:

NM_001519.4(BRF1):c.1899C>T (p.Pro633=)

Gene: BRF1 (BRF1 general transcription factor IIIB subunit; minus strand). Cytogenetic location: 14q32.33.
Variant type: single nucleotide variant.
Coding change: c.1899C>T on transcript NM_001519.4 (MANE Select); coding-DNA position 1899, C replaced by T.
Protein change: p.Pro633=; no amino-acid change (proline 633 retained).
Molecular consequence: synonymous variant.
Genome position (GRCh38, 1-based): chr14:105,211,219, G>A on the plus strand (C>T on the coding strand, the complement: BRF1 is on the minus strand). VCF-style: chr14-105211219-G-A. GRCh37 (hg19) VCF-style: chr14-105677556-G-A.
Other names: c.1620C>T, p.Pro540= (NM_001242786.2); c.1554C>T, p.Pro518= (NM_001242787.2); c.1818C>T, p.Pro606= (NM_001242788.2); c.1185C>T, p.Pro395= (NM_001242789.2); c.1287C>T, p.Pro429= (NM_145685.3).
Identifiers: ClinVar variation 715783 (VCV000715783.25), dbSNP rs373154886, ClinGen allele CA7386927.

ClinVar aggregate classification (germline): Likely benign. Review status: criteria provided, multiple submitters, no conflicts (2 of 4 stars). 2 submissions from 2 submitters: Likely benign (2). Last evaluated 2024-01-01.

Allele frequency attached by ClinVar (database versions not stated): ExAC 0.00002; gnomAD 0.00004; TOPMed 0.00004; gnomAD exomes 0.00005; ESP Exome Variant Server 0.00008.
gnomAD v4.1: 121 of 1,611,130 alleles (0.0075%); highest among the groups gnomAD compares: Non-Finnish European, 0.0094%; no homozygotes.

Submissions (2):

CeGaT Center for Human Genetics Tuebingen
Classification: Likely benign. Last evaluated: 2024-01-01. Review status: criteria provided, single submitter. Criteria: CeGaT Center For Human Genetics Tuebingen Variant Classification Criteria Version 2. Collection method: clinical testing. Allele origin: germline. Affected: yes. Observed: 1 variant allele.
Comment: BRF1: BP4, BP7

Labcorp Genetics (formerly Invitae), Labcorp
Classification: Likely benign. Last evaluated: 2017-07-26. Review status: criteria provided, single submitter. Criteria: Invitae Variant Classification Sherloc (09022015). Collection method: clinical testing. Allele origin: germline.